The following is an entry in ClinVar:

ClinVar aggregate classification (germline): Uncertain significance (1 of 4 stars; one submission).

Conditions:
Generalized epilepsy with febrile seizures plus, type 7 (GEFSP7). Also called: GEFS+, TYPE 7. Identifiers: Orphanet 36387, MedGen C2751778, MONDO:0013470, OMIM 613863.
Neuropathy, hereditary sensory and autonomic, type 2A (HSAN2A). Also called: ACROOSTEOLYSIS, GIACCAI TYPE; ACROOSTEOLYSIS, NEUROGENIC; HSAN IIA; WNK1-Related HSAN2 (HSAN2A); MORVAN DISEASE; NEUROPATHY, CONGENITAL SENSORY. Identifiers: Orphanet 970, MedGen C2752089, MONDO:0024309, OMIM 201300.

Allele frequency attached by ClinVar (database versions not stated): TOPMed below 0.00001.

Submission:

Labcorp Genetics (formerly Invitae), Labcorp
Classification: Uncertain significance for Neuropathy, hereditary sensory and autonomic, type 2A; Generalized epilepsy with febrile seizures plus, type 7. Last evaluated: 2024-02-23. Review status: criteria provided, single submitter. Criteria: Invitae Variant Classification Sherloc (09022015). Collection method: clinical testing. Allele origin: germline.
Comment: This sequence change replaces serine, which is neutral and polar, with arginine, which is basic and polar, at codon 508 of the SCN9A protein (p.Ser508Arg). This variant is not present in population databases (gnomAD no frequency). This variant has not been reported in the literature in individuals affected with SCN9A-related conditions. Advanced modeling of protein sequence and biophysical properties (such as structural, functional, and spatial information, amino acid conservation, physicochemical variation, residue mobility, and thermodynamic stability) performed at Invitae indicates that this missense variant is not expected to disrupt SCN9A protein function with a negative predictive value of 95%. In summary, the available evidence is currently insufficient to determine the role of this variant in disease. Therefore, it has been classified as a Variant of Uncertain Significance.

NM_001365536.1(SCN9A):c.1524C>A (p.Ser508Arg)

Genes: SCN1A-AS1 (SCN1A and SCN9A antisense RNA 1; plus strand), SCN9A (sodium voltage-gated channel alpha subunit 9; minus strand). Cytogenetic location: 2q24.3.
Variant type: single nucleotide variant.
Coding change: c.1524C>A on transcript NM_001365536.1 (MANE Select); coding-DNA position 1524, C replaced by A.
Protein change: p.Ser508Arg; replaces serine 508 with arginine.
Molecular consequence: missense variant.
Genome position (GRCh38, 1-based): chr2:166,286,414, G>T on the plus strand (C>A on the coding strand, the complement: SCN9A is on the minus strand). VCF-style: chr2-166286414-G-T. GRCh37 (hg19) VCF-style: chr2-167142924-G-T.
Other names: c.1524C>A, p.Ser508Arg (NM_002977.4); short protein forms S508R.
Identifiers: ClinVar variation 2924907 (VCV002924907.3), dbSNP rs1697744881, ClinGen allele CA349084511.